The following is an entry in ClinVar:

NM_003002.4(SDHD):c.46G>A (p.Gly16Ser)

Genes: SDHD (succinate dehydrogenase complex subunit D; plus strand), LOC126861339 (BRD4-independent group 4 enhancer GRCh37_chr11:111957035-111958234; plus strand). Cytogenetic location: 11q23.1.
Variant type: single nucleotide variant.
Coding change: c.46G>A on transcript NM_003002.4 (MANE Select); coding-DNA position 46, G replaced by A.
Protein change: p.Gly16Ser; replaces glycine 16 with serine.
Molecular consequence: missense variant. On other transcripts: non-coding transcript variant (1).
Genome position (GRCh38, 1-based): chr11:112,086,953, G>A. VCF-style: chr11-112086953-G-A. GRCh37 (hg19) VCF-style: chr11-111957677-G-A.
Other names: c.46G>A, p.Gly16Ser (NM_001276503.2, NM_001276504.2, NM_001276506.2); short protein forms G16S.
Identifiers: ClinVar variation 5029363 (VCV005029363.1).
Genomic context (GRCh38, chr11:112,086,953, plus strand): 5'-GCCCTCAGGAACGAGATGGCGGTTCTCTGGAGGCTGAGTGCCGTTTGCGGTGCCCTAGGA[G>A]GCCGAGGTGAGGGGTCTTCCCACCCTGAGGTGCTTAGCGTAGCCTCCAGCCAGGGAAGGG-3'
Protein context (NP_002993.1, residues 6-26): RLSAVCGALG[Gly16Ser]RALLLRTPVV

ClinVar aggregate classification (germline): Uncertain significance (1 of 4 stars; one submission).

Conditions:
Hereditary cancer-predisposing syndrome. Also called: Neoplastic Syndromes, Hereditary; Tumor predisposition; Hereditary neoplastic syndrome; Hereditary Cancer Syndrome. Identifiers: Orphanet 140162, MedGen C0027672, MeSH D009386, MONDO:0015356.

Submission:

Ambry Genetics
Classification: Uncertain significance for Hereditary cancer-predisposing syndrome. Last evaluated: 2026-08-17. Review status: criteria provided, single submitter. Criteria: Ambry Variant Classification Scheme 2023. Collection method: clinical testing. Allele origin: germline.
Comment: The p.G16S variant (also known as c.46G>A), located in coding exon 1 of the SDHD gene, results from a G to A substitution at nucleotide position 46. The glycine at codon 16 is replaced by serine, an amino acid with similar properties. This amino acid position is not well conserved in available vertebrate species. In addition, the in silico prediction for this alteration is inconclusive. Based on the available evidence, the clinical significance of this variant remains unclear.